The following is an entry in ClinVar:

NM_004656.4(BAP1):c.1891-13T>C

Gene: BAP1 (BRCA1 associated deubiquitinase 1; minus strand). Cytogenetic location: 3p21.1.
Variant type: single nucleotide variant.
Coding change: c.1891-13T>C on transcript NM_004656.4 (MANE Select); 13 bases into the intron before coding-DNA position 1891, T replaced by C.
Molecular consequence: intron variant.
Genome position (GRCh38, 1-based): chr3:52,402,884, A>G on the plus strand (T>C on the coding strand, the complement: BAP1 is on the minus strand). VCF-style: chr3-52402884-A-G. GRCh37 (hg19) VCF-style: chr3-52436900-A-G.
Other names: c.1837-13T>C (NM_001410772.1).
Identifiers: ClinVar variation 4727669 (VCV004727669.1).

ClinVar aggregate classification (germline): Uncertain significance (1 of 4 stars; one submission).

Conditions:
BAP1-related tumor predisposition syndrome (TPDS1). Also called: Tumor susceptibility linked to germline BAP1 mutations; BAP1 tumor predisposition syndrome; COMMON Syndrome; TUMOR PREDISPOSITION SYNDROME 1. Identifiers: Orphanet 289539, MedGen C3280492, MONDO:0013692, OMIM 614327.

Submission:

Labcorp Genetics (formerly Invitae), Labcorp
Classification: Uncertain significance for BAP1-related tumor predisposition syndrome. Last evaluated: 2026-01-31. Review status: criteria provided, single submitter. Criteria: Invitae Variant Classification Sherloc (09022015). Collection method: clinical testing. Allele origin: germline.
Comment: This sequence change falls in intron 14 of the BAP1 gene. It does not directly change the encoded amino acid sequence of the BAP1 protein. This variant is not present in population databases (gnomAD no frequency). This variant has not been reported in the literature in individuals affected with BAP1-related conditions. Algorithms developed to predict the effect of sequence changes on RNA splicing suggest that this variant may create or strengthen a splice site. In summary, the available evidence is currently insufficient to determine the role of this variant in disease. Therefore, it has been classified as a Variant of Uncertain Significance.